The following is an entry in ClinVar:

NM_004963.4(GUCY2C):c.1298T>C (p.Met433Thr)

Gene: GUCY2C (guanylate cyclase 2C; minus strand). Cytogenetic location: 12p12.3.
Variant type: single nucleotide variant.
Coding change: c.1298T>C on transcript NM_004963.4 (MANE Select); coding-DNA position 1298, T replaced by C.
Protein change: p.Met433Thr; replaces methionine 433 with threonine.
Molecular consequence: missense variant.
Genome position (GRCh38, 1-based): chr12:14,661,047, A>G on the plus strand (T>C on the coding strand, the complement: GUCY2C is on the minus strand). VCF-style: chr12-14661047-A-G. GRCh37 (hg19) VCF-style: chr12-14813981-A-G.
Other names: short protein forms M433T.
Identifiers: ClinVar variation 1426918 (VCV001426918.9), dbSNP rs148421350, ClinGen allele CA6463462.
Genomic context (GRCh38, chr12:14,661,047, plus strand): 5'-ATCAGGAGAGCGACGAGCAGGAGCAGCACCACAGCTCCAGTGAGGGTGAAGACTGCAATC[A>G]TCAGGATCTGAGGGCCTGTGGCGGAAAATGCGTTAGGAAGGACCTTAGACAAGAGAGCAA-3'
Protein context (NP_004954.2, residues 423-443): DITGRGPQIL[Met433Thr]IAVFTLTGAV

ClinVar aggregate classification (germline): Uncertain significance (1 of 4 stars; one submission).

Allele frequency attached by ClinVar (database versions not stated): ExAC 0.00006; TOPMed 0.00008; gnomAD exomes 0.00010 and 0.00013; gnomAD 0.00014 and 0.00015; ESP Exome Variant Server 0.00015.

Submission:

Labcorp Genetics (formerly Invitae), Labcorp
Classification: Uncertain significance. Last evaluated: 2025-12-18. Review status: criteria provided, single submitter. Criteria: Invitae Variant Classification Sherloc (09022015). Collection method: clinical testing. Allele origin: germline.
Comment: This sequence change replaces methionine, which is neutral and non-polar, with threonine, which is neutral and polar, at codon 433 of the GUCY2C protein (p.Met433Thr). This variant is present in population databases (rs148421350, gnomAD 0.02%). This variant has not been reported in the literature in individuals affected with GUCY2C-related conditions. ClinVar contains an entry for this variant (Variation ID: 1426918). Invitae Evidence Modeling of protein sequence and biophysical properties (such as structural, functional, and spatial information, amino acid conservation, physicochemical variation, residue mobility, and thermodynamic stability) indicates that this missense variant is not expected to disrupt GUCY2C protein function with a negative predictive value of 80%. In summary, the available evidence is currently insufficient to determine the role of this variant in disease. Therefore, it has been classified as a Variant of Uncertain Significance.